The following is an entry in ClinVar:

NM_000921.5(PDE3A):c.1826C>G (p.Thr609Ser)

Gene: PDE3A (phosphodiesterase 3A; plus strand). Cytogenetic location: 12p12.2.
Variant type: single nucleotide variant.
Coding change: c.1826C>G on transcript NM_000921.5 (MANE Select); coding-DNA position 1826, C replaced by G.
Protein change: p.Thr609Ser; replaces threonine 609 with serine.
Molecular consequence: missense variant. On other transcripts: intron variant (1).
Genome position (GRCh38, 1-based): chr12:20,633,758, C>G. VCF-style: chr12-20633758-C-G. GRCh37 (hg19) VCF-style: chr12-20786692-C-G.
Other names: c.860C>G, p.Thr287Ser (NM_001244683.2, NM_001378409.1); c.863C>G, p.Thr288Ser (NM_001378408.1); c.1541-1144C>G (NM_001378407.1); c.1826C>G (NM_000921.4); short protein forms T609S, T287S, T288S.
Identifiers: ClinVar variation 2956558 (VCV002956558.2), dbSNP rs71539447, ClinGen allele CA6473865.

ClinVar aggregate classification (germline): Uncertain significance. Review status: criteria provided, multiple submitters, no conflicts (2 of 4 stars). 2 submissions from 2 submitters: Uncertain significance (2). Last evaluated 2025-01-23.

Conditions:
Inborn genetic diseases. Identifiers: MedGen C0950123, MeSH D030342.

Allele frequency attached by ClinVar (database versions not stated): gnomAD 0.00001; gnomAD exomes 0.00002; TOPMed 0.00002; ExAC 0.00004; ESP Exome Variant Server 0.00008.
gnomAD v4.1: 41 of 1,603,608 alleles (0.0026%); highest among the groups gnomAD compares: Middle Eastern, 0.066%; 1 homozygote.

Submissions (2):

Ambry Genetics
Classification: Uncertain significance for Inborn genetic diseases. Last evaluated: 2025-01-23. Review status: criteria provided, single submitter. Criteria: Ambry Variant Classification Scheme 2023. Collection method: clinical testing. Allele origin: germline.

Labcorp Genetics (formerly Invitae), Labcorp
Classification: Uncertain significance. Last evaluated: 2024-01-20. Review status: criteria provided, single submitter. Criteria: Invitae Variant Classification Sherloc (09022015). Collection method: clinical testing. Allele origin: germline.
Comment: This sequence change replaces threonine, which is neutral and polar, with serine, which is neutral and polar, at codon 609 of the PDE3A protein (p.Thr609Ser). This variant is present in population databases (rs71539447, gnomAD 0.02%). This variant has not been reported in the literature in individuals affected with PDE3A-related conditions. An algorithm developed to predict the effect of missense changes on protein structure and function (PolyPhen-2) suggests that this variant¬†is likely to be tolerated. In summary, the available evidence is currently insufficient to determine the role of this variant in disease. Therefore, it has been classified as a Variant of Uncertain Significance.